The following is an entry in ClinVar:

Conditions:
Breast-ovarian cancer, familial, susceptibility to, 1 (BROVCA1). Also called: BRCA1 Hereditary Breast and Ovarian Cancer; OVARIAN CANCER, SUSCEPTIBILITY TO. Identifiers: Orphanet 145, MedGen C2676676, MONDO:0011450, OMIM 604370. Disease mechanism: loss of function.

Submission:

Brotman Baty Institute, University of Washington
No classification provided (evidence only). Condition: Breast-ovarian cancer, familial 1. Review status: no classification provided. Collection method: in vitro. Allele origin: not applicable. Functional consequence: functionally_abnormal.
ClinVar note: "not provided" was previously submitted as the classification for the variant. However, the classification appeared to be based only on an observation of functional data so it was converted to no classification on 2025-07-30.

NM_007294.4(BRCA1):c.5044G>T (p.Glu1682Ter)

Gene: BRCA1 (BRCA1 DNA repair associated; minus strand). Cytogenetic location: 17q21.31.
Variant type: single nucleotide variant.
Coding change: c.5044G>T on transcript NM_007294.4 (MANE Select); coding-DNA position 5044, G replaced by T.
Protein change: p.Glu1682Ter; replaces glutamic acid 1682 with a stop codon.
Molecular consequence: nonsense. On other transcripts: non-coding transcript variant (1).
Genome position (GRCh38, 1-based): chr17:43,067,638, C>A on the plus strand (G>T on the coding strand, the complement: BRCA1 is on the minus strand). VCF-style: chr17-43067638-C-A. GRCh37 (hg19) VCF-style: chr17-41219655-C-A.
Other names: c.4831G>T, p.Glu1611Ter (NM_001407571.1, NM_001407902.1, NM_001407904.1 and 12 more transcripts); c.5110G>T, p.Glu1704Ter (NM_001407581.1, NM_001407582.1); c.5107G>T, p.Glu1703Ter (NM_001407583.1, NM_001407585.1, NM_001407587.1 and 1 more transcripts); c.5104G>T, p.Glu1702Ter (NM_001407590.1, NM_001407591.1); c.5044G>T, p.Glu1682Ter (NM_001407593.1, NM_001407594.1, NM_001407596.1 and 8 more transcripts); c.5041G>T, p.Glu1681Ter (NM_001407610.1, NM_001407611.1, NM_001407612.1 and 17 more transcripts); c.5038G>T, p.Glu1680Ter (NM_001407630.1, NM_001407631.1, NM_001407632.1 and 14 more transcripts); c.4966G>T, p.Glu1656Ter (NM_001407653.1, NM_001407654.1, NM_001407655.1); and 70 more; short protein forms E1682*, E1703*, E578*, E1635*, E1513*, E1593*, E1612*, E1641*.
Identifiers: ClinVar variation 864877 (VCV000864877.3), dbSNP rs80356958, ClinGen allele CA10591430.